The following is an entry in ClinVar:

ClinVar aggregate classification (germline): Uncertain significance. Review status: criteria provided, single submitter (1 of 4 stars). 2 submissions from 2 submitters: Uncertain significance (1). 1 of the submissions does not count toward it. Last evaluated 2022-07-30.

Conditions:
Tay-Sachs disease (TSD). Also called: HEXA Disorders; HEXA DEFICIENCY; Hexosaminidase A Deficiency; GM2 gangliosidosis, type 1; Hexosaminidase alpha-subunit deficiency (variant B); Sphingolipidosis, Tay-Sachs. Identifiers: Orphanet 845, MedGen C0039373, MONDO:0010100, OMIM 272800.

Allele frequency attached by ClinVar (database versions not stated): gnomAD exomes 0.00004 and 0.00011; gnomAD 0.00006; TOPMed 0.00006; ExAC 0.00007.
gnomAD v4.1: 71 of 1,613,950 alleles (0.0044%); highest among the groups gnomAD compares: East Asian, 0.096%; no homozygotes.

Submissions (2):

Labcorp Genetics (formerly Invitae), Labcorp
Classification: Uncertain significance for Tay-Sachs disease. Last evaluated: 2022-07-30. Review status: criteria provided, single submitter. Criteria: Invitae Variant Classification Sherloc (09022015). Collection method: clinical testing. Allele origin: germline.
Comment: This sequence change replaces arginine, which is basic and polar, with tryptophan, which is neutral and slightly polar, at codon 413 of the HEXA protein (p.Arg413Trp). This variant is present in population databases (rs762494949, gnomAD 0.1%). This variant has not been reported in the literature in individuals affected with HEXA-related conditions. ClinVar contains an entry for this variant (Variation ID: 554841). Algorithms developed to predict the effect of missense changes on protein structure and function are either unavailable or do not agree on the potential impact of this missense change (SIFT: "Deleterious"; PolyPhen-2: "Probably Damaging"; Align-GVGD: "Class C0"). In summary, the available evidence is currently insufficient to determine the role of this variant in disease. Therefore, it has been classified as a Variant of Uncertain Significance.

Counsyl
Classification: Uncertain significance for Tay-Sachs disease. Last evaluated: 2017-11-16. Review status: no assertion criteria provided. Collection method: clinical testing. Allele origin: unknown. Not counted in ClinVar's aggregate classification.

NM_000520.6(HEXA):c.1237C>T (p.Arg413Trp)

Gene: HEXA (hexosaminidase subunit alpha; minus strand). Cytogenetic location: 15q23.
Variant type: single nucleotide variant.
Coding change: c.1237C>T on transcript NM_000520.6 (MANE Select); coding-DNA position 1237, C replaced by T.
Protein change: p.Arg413Trp; replaces arginine 413 with tryptophan.
Molecular consequence: missense variant.
Genome position (GRCh38, 1-based): chr15:72,346,620, G>A on the plus strand (C>T on the coding strand, the complement: HEXA is on the minus strand). VCF-style: chr15-72346620-G-A. GRCh37 (hg19) VCF-style: chr15-72638961-G-A.
Other names: c.1270C>T, p.Arg424Trp (NM_001318825.2); short protein forms R413W, R424W.
Identifiers: ClinVar variation 554841 (VCV000554841.4), dbSNP rs762494949, ClinGen allele CA7644751.